The following is an entry in ClinVar:

NM_007078.3(LDB3):c.769G>C (p.Glu257Gln)

Gene: LDB3 (LIM domain binding 3; plus strand). Cytogenetic location: 10q23.2.
Variant type: single nucleotide variant.
Coding change: c.769G>C on transcript NM_007078.3 (MANE Select); coding-DNA position 769, G replaced by C.
Protein change: p.Glu257Gln; replaces glutamic acid 257 with glutamine.
Molecular consequence: missense variant.
Genome position (GRCh38, 1-based): chr10:86,691,975, G>C. VCF-style: chr10-86691975-G-C. GRCh37 (hg19) VCF-style: chr10-88451732-G-C.
Other names: c.628G>C, p.Glu210Gln (NM_001080116.1, NM_001080114.2, NM_001368066.1 and 2 more transcripts); c.769G>C, p.Glu257Gln (NM_001080115.2, NM_001368063.1, NM_001368064.1 and 1 more transcripts); c.973G>C, p.Glu325Gln (NM_001171610.2, NM_001171611.2); c.769G>C (NM_007078.2); short protein forms E257Q, E210Q, E325Q.
Identifiers: ClinVar variation 972169 (VCV000972169.13), dbSNP rs143996848, ClinGen allele CA5584888.

ClinVar aggregate classification (germline): Uncertain significance. Review status: criteria provided, multiple submitters, no conflicts (2 of 4 stars). 4 submissions from 4 submitters: Uncertain significance (4). Last evaluated 2024-10-16.

Conditions:
Cardiovascular phenotype. Identifiers: MedGen CN230736.
Myofibrillar myopathy 4. Also called: Zaspopathy (type). Identifiers: Orphanet 98912, MedGen C4721886, MONDO:0012277, OMIM 609452.

Allele frequency attached by ClinVar (database versions not stated): gnomAD exomes 0.00004; ExAC 0.00006; ESP Exome Variant Server 0.00015; gnomAD 0.00015 and 0.00016; TOPMed 0.00015.
gnomAD v4.1: 48 of 1,614,114 alleles (0.003%); highest among the groups gnomAD compares: African/African-American, 0.057%; no homozygotes.

Submissions (4):

Labcorp Genetics (formerly Invitae), Labcorp
Classification: Uncertain significance for Myofibrillar myopathy 4. Last evaluated: 2024-10-16. Review status: criteria provided, single submitter. Criteria: Invitae Variant Classification Sherloc (09022015). Collection method: clinical testing. Allele origin: germline.
Comment: This sequence change replaces glutamic acid, which is acidic and polar, with glutamine, which is neutral and polar, at codon 210 of the LDB3 protein (p.Glu210Gln). This variant is present in population databases (rs143996848, gnomAD 0.05%). This variant has not been reported in the literature in individuals affected with LDB3-related conditions. ClinVar contains an entry for this variant (Variation ID: 972169). An algorithm developed to predict the effect of missense changes on protein structure and function (PolyPhen-2) suggests that this variant¬†is likely to be tolerated. In summary, the available evidence is currently insufficient to determine the role of this variant in disease. Therefore, it has been classified as a Variant of Uncertain Significance.

Ambry Genetics
Classification: Uncertain significance for Cardiovascular phenotype. Last evaluated: 2022-05-25. Review status: criteria provided, single submitter. Criteria: Ambry Variant Classification Scheme 2023. Collection method: clinical testing. Allele origin: germline.

GeneDx
Classification: Uncertain significance. Last evaluated: 2021-05-20. Review status: criteria provided, single submitter. Criteria: GeneDx Variant Classification Process June 2021. Collection method: clinical testing. Allele origin: germline. Affected: yes.
Comment: Has not been previously published as pathogenic or benign to our knowledge; In silico analysis supports that this missense variant does not alter protein structure/function; Reported in ClinVar but additional evidence is not available (ClinVar Variant ID#972169; Landrum et al., 2016)

Revvity Omics, Revvity
Classification: Uncertain significance. Last evaluated: 2019-04-26. Review status: criteria provided, single submitter. Criteria: ACMG Guidelines, 2015. Collection method: clinical testing. Allele origin: germline.